The following is an entry in ClinVar:

NM_001291303.3(FAT4):c.14719A>G (p.Thr4907Ala)

Gene: FAT4 (FAT atypical cadherin 4; plus strand). Cytogenetic location: 4q28.1.
Variant type: single nucleotide variant.
Coding change: c.14719A>G on transcript NM_001291303.3 (MANE Select); coding-DNA position 14719, A replaced by G.
Protein change: p.Thr4907Ala; replaces threonine 4907 with alanine.
Molecular consequence: missense variant.
Genome position (GRCh38, 1-based): chr4:125,491,535, A>G. VCF-style: chr4-125491535-A-G. GRCh37 (hg19) VCF-style: chr4-126412690-A-G.
Other names: c.14713A>G (NM_024582.4); c.14716A>G, p.Thr4906Ala (NM_001291285.3); c.14713A>G, p.Thr4905Ala (NM_024582.6); short protein forms T4907A, T4906A, T4905A.
Identifiers: ClinVar variation 1493252 (VCV001493252.7), dbSNP rs769212397, ClinGen allele CA358143357.

ClinVar aggregate classification (germline): Uncertain significance. Review status: criteria provided, multiple submitters, no conflicts (2 of 4 stars). 2 submissions from 2 submitters: Uncertain significance (2). Last evaluated 2023-08-04.

Conditions:
Inborn genetic diseases. Identifiers: MedGen C0950123, MeSH D030342.

Allele frequency attached by ClinVar (database versions not stated): gnomAD exomes below 0.00001; TOPMed below 0.00001.
gnomAD v4.1: 1 of 1,614,190 alleles (0.000062%); highest among the groups gnomAD compares: Non-Finnish European, 0.000085%; no homozygotes.

Submissions (2):

Ambry Genetics
Classification: Uncertain significance for Inborn genetic diseases. Last evaluated: 2023-08-04. Review status: criteria provided, single submitter. Criteria: Ambry Variant Classification Scheme 2023. Collection method: clinical testing. Allele origin: germline.

Labcorp Genetics (formerly Invitae), Labcorp
Classification: Uncertain significance. Last evaluated: 2021-12-15. Review status: criteria provided, single submitter. Criteria: Invitae Variant Classification Sherloc (09022015). Collection method: clinical testing. Allele origin: germline.
Comment: This sequence change replaces threonine, which is neutral and polar, with alanine, which is neutral and non-polar, at codon 4905 of the FAT4 protein (p.Thr4905Ala). This variant is not present in population databases (gnomAD no frequency). In summary, the available evidence is currently insufficient to determine the role of this variant in disease. Therefore, it has been classified as a Variant of Uncertain Significance. Advanced modeling of protein sequence and biophysical properties (such as structural, functional, and spatial information, amino acid conservation, physicochemical variation, residue mobility, and thermodynamic stability) performed at Invitae indicates that this missense variant is not expected to disrupt FAT4 protein function. This variant has not been reported in the literature in individuals affected with FAT4-related conditions.